The following is an entry in ClinVar:

NM_007294.4(BRCA1):c.4185+31TG[3]

Gene: BRCA1 (BRCA1 DNA repair associated; minus strand). Cytogenetic location: 17q21.31.
Variant type: Microsatellite.
Coding change: c.4185+31TG[3] on transcript NM_007294.4 (MANE Select); three copies in a row of the 2-base unit TG starting at c.4185+31; the reference has four copies in a row; one copy, 2 bases deleted.
Molecular consequence: intron variant.
Genome position (GRCh38, 1-based): chr17:43,090,906-43,090,907, CA deleted on the plus strand (TG on the coding strand, the reverse complement: BRCA1 is on the minus strand); deleting any 2 consecutive bases within chr17:43,090,906-43,090,914 gives the same sequence; the position shown is the placement nearest the transcript's 3' end. VCF-style (leftmost placement, unchanged base first): chr17-43090905-CCA-C. GRCh37 (hg19) VCF-style: chr17-41242922-CCA-C.
Other names: c.735+31TG[3] (NM_001408458.1, NM_001408469.1, NM_001408453.1 and 11 more transcripts); c.3297+31TG[3] (NM_001407967.1, NM_001407966.1); c.3804+31TG[3] (NM_001407959.1, NM_001407963.1, NM_001407960.1); c.3918+31TG[3] (NM_001407931.1, NM_001407932.1, NM_001407934.1 and 2 more transcripts); c.4041+31TG[3] (NM_001407747.1, NM_001407848.1, NM_001407839.1 and 20 more transcripts); c.3801+31TG[3] (NM_001407962.1); c.372+31TG[3] (NM_001408512.1); c.495+31TG[3] (NM_001408510.1); and 42 more.
Identifiers: ClinVar variation 873428 (VCV000873428.13), dbSNP rs760098710, ClinGen allele CA8589946.
Genomic context (GRCh38, chr17:43,090,905, plus strand): 5'-AAAGAGATGATGTCAGCAAACCTAAGAATGTGGGATACATACTACTGAATGCAAAGGACA[CCA>C]CACACACGCATGTGCACACACACACACGCTTTTTACCTGAGTGGTTAAAATGTCACTCTG-3'

ClinVar aggregate classification (germline): Conflicting classifications of pathogenicity. Review status: criteria provided, conflicting classifications (1 of 4 stars). 4 submissions from 4 submitters: Uncertain significance (1); Likely benign (2). 1 of the submissions does not count toward it. Last evaluated 2022-09-18.

Conditions:
Hereditary breast ovarian cancer syndrome. Also called: Hereditary breast and ovarian cancer syndrome (HBOC); Hereditary breast and/or ovarian cancer syndrome; Hereditary breast and ovarian cancer syndrome; Breast and ovarian cancer; BRCA1- and BRCA2-Associated Hereditary Breast and Ovarian Cancer; Hereditary breast and ovarian cancer. Identifiers: Orphanet 145, MedGen C0677776, MeSH D061325, MONDO:0003582. Disease mechanism: loss of function.
Hereditary cancer-predisposing syndrome. Also called: Neoplastic Syndromes, Hereditary; Hereditary Cancer Syndrome; Tumor predisposition; Hereditary neoplastic syndrome. Identifiers: Orphanet 140162, MedGen C0027672, MeSH D009386, MONDO:0015356.

Submissions (4):

Labcorp Genetics (formerly Invitae), Labcorp
Classification: Likely benign for Hereditary breast ovarian cancer syndrome. Last evaluated: 2022-09-18. Review status: criteria provided, single submitter. Criteria: Invitae Variant Classification Sherloc (09022015). Collection method: clinical testing. Allele origin: germline.

Sema4
Classification: Uncertain significance for Hereditary cancer-predisposing syndrome. Last evaluated: 2021-08-16. Review status: criteria provided, single submitter. Criteria: Sema4 Curation Guidelines. Collection method: curation. Allele origin: germline.
Comment: The BRCA1 c.4185+37_4185+38delTG variant has been reported in heterozygosity in at least one individual with ovarian cancer (PMID: 10444347). It is also known as c.4302+31delGT in the literature. This variant was observed in 10/99984 chromosomes in the Non-Finnish European population, including no homozygotes, according to the Genome Aggregation Database (PMID: 32461654). This variant has not been reported in ClinVar. The overall evidence is inconsistent with ACMG/AMP requirements for a variant of benign or pathogenic. In summary, the clinical significance of this variant is currently uncertain.

GeneDx
Classification: Likely benign. Last evaluated: 2020-07-02. Review status: criteria provided, single submitter. Criteria: GeneDx Variant Classification Process June 2021. Collection method: clinical testing. Allele origin: germline. Affected: yes.
Comment: This variant is associated with the following publications: (PMID: 10444347)

King Laboratory, University of Washington
Classification: Benign. Last evaluated: 2019-09-01. Review status: no assertion criteria provided. Collection method: research. Allele origin: germline. Affected: yes. Not counted in ClinVar's aggregate classification.
Comment: Transcript analysis by cBROCA

Literature cited by the submitters: PubMed 10444347 (cited by Sema4); PubMed 31843900 (cited by King Laboratory, University of Washington).